The following is an entry in ClinVar:

ClinVar aggregate classification (germline): Uncertain significance (1 of 4 stars; one submission).

Conditions:
Hereditary cancer-predisposing syndrome. Also called: Hereditary Cancer Syndrome; Neoplastic Syndromes, Hereditary; Tumor predisposition; Hereditary neoplastic syndrome. Identifiers: Orphanet 140162, MedGen C0027672, MeSH D009386, MONDO:0015356.

Submission:

Ambry Genetics
Classification: Uncertain significance for Hereditary cancer-predisposing syndrome. Last evaluated: 2022-05-02. Review status: criteria provided, single submitter. Criteria: Ambry Variant Classification Scheme 2023. Collection method: clinical testing. Allele origin: germline.
Comment: The p.T1675S variant (also known as c.5024C>G), located in coding exon 15 of the BRCA1 gene, results from a C to G substitution at nucleotide position 5024. The threonine at codon 1675 is replaced by serine, an amino acid with similar properties. This amino acid position is not well conserved in available vertebrate species. In addition, the in silico prediction for this alteration is inconclusive. Since supporting evidence is limited at this time, the clinical significance of this alteration remains unclear.

NM_007294.4(BRCA1):c.5024C>G (p.Thr1675Ser)

Gene: BRCA1 (BRCA1 DNA repair associated; minus strand). Cytogenetic location: 17q21.31.
Variant type: single nucleotide variant.
Coding change: c.5024C>G on transcript NM_007294.4 (MANE Select); coding-DNA position 5024, C replaced by G.
Protein change: p.Thr1675Ser; replaces threonine 1675 with serine.
Molecular consequence: missense variant. On other transcripts: non-coding transcript variant (1).
Genome position (GRCh38, 1-based): chr17:43,067,658, G>C on the plus strand (C>G on the coding strand, the complement: BRCA1 is on the minus strand). VCF-style: chr17-43067658-G-C. GRCh37 (hg19) VCF-style: chr17-41219675-G-C.
Other names: c.1709C>G, p.Thr570Ser (NM_001408398.1, NM_001408399.1, NM_001408400.1 and 8 more transcripts); c.5018C>G, p.Thr1673Ser (NM_001407631.1, NM_001407635.1, NM_001407632.1 and 14 more transcripts); c.1598C>G, p.Thr533Ser (NM_001408418.1, NM_001408419.1, NM_001408420.1); c.1595C>G, p.Thr532Ser (NM_001408421.1, NM_001408422.1, NM_001408423.1 and 1 more transcripts); c.1592C>G, p.Thr531Ser (NM_001408425.1, NM_001408426.1, NM_001408427.1 and 4 more transcripts); c.1589C>G, p.Thr530Ser (NM_001408432.1, NM_001408433.1, NM_001408434.1 and 10 more transcripts); c.1586C>G, p.Thr529Ser (NM_001408445.1, NM_001408446.1, NM_001408447.1 and 2 more transcripts); c.1580C>G, p.Thr527Ser (NM_001408451.1); and 70 more; short protein forms T1379S, T1546S, T1563S, T1626S, T1631S, T1632S, T1647S, T1655S.
Identifiers: ClinVar variation 1744853 (VCV001744853.2), dbSNP rs150729791, ClinGen allele CA10591465.